The following is an entry in ClinVar:

NM_000053.4(ATP7B):c.3221C>T (p.Ala1074Val)

Gene: ATP7B (ATPase copper transporting beta; minus strand). Cytogenetic location: 13q14.3.
Variant type: single nucleotide variant.
Coding change: c.3221C>T on transcript NM_000053.4 (MANE Select); coding-DNA position 3221, C replaced by T.
Protein change: p.Ala1074Val; replaces alanine 1074 with valine.
Molecular consequence: missense variant.
Genome position (GRCh38, 1-based): chr13:51,944,131, G>A on the plus strand (C>T on the coding strand, the complement: ATP7B is on the minus strand). VCF-style: chr13-51944131-G-A. GRCh37 (hg19) VCF-style: chr13-52518267-G-A.
Other names: p.Ala1074Val; c.2600C>T, p.Ala867Val (NM_001005918.3); c.2888C>T, p.Ala963Val (NM_001243182.2); c.2987C>T, p.Ala996Val (NM_001330578.2); c.2969C>T, p.Ala990Val (NM_001330579.2); c.3221C>T (NM_000053.3); short protein forms A1074V, A996V, A963V, A867V, A990V.
Identifiers: ClinVar variation 495413 (VCV000495413.9), dbSNP rs1206016866, ClinGen allele CA388029823.
Genomic context (GRCh38, chr13:51,944,131, plus strand): 5'-TTGGCGGGGAGGGCAGGGCCACGCCCAAGTCCACGTACCTCTTTACAGTATTTGGTGACT[G>A]CCACGCCCAAGGGGTGTTCACTGCTGGCCTCCGCAGTCCCCACCACAGCCAGAACCTTCC-3'
Protein context (NP_000044.2, residues 1064-1084): EASSEHPLGV[Ala1074Val]VTKYCKEELG

ClinVar aggregate classification (germline): Conflicting classifications of pathogenicity. Review status: criteria provided, conflicting classifications (1 of 4 stars). 7 submissions from 7 submitters: Likely pathogenic (3); Uncertain significance (4). Last evaluated 2026-01-28.

Conditions:
Wilson disease (WND). Also called: Wilson's disease. Identifiers: Orphanet 905, MedGen C0019202, MONDO:0010200, OMIM 277900. Disease mechanism: loss of function.

Allele frequency attached by ClinVar (database versions not stated): gnomAD exomes below 0.00001 and 0.00001; gnomAD 0.00001; TOPMed 0.00001.
gnomAD v4.1: 13 of 1,614,022 alleles (0.00081%); highest among the groups gnomAD compares: East Asian, 0.0022%; no homozygotes.

Submissions (7):

Myriad Genetics, Inc.
Classification: Likely pathogenic for Wilson disease. Last evaluated: 2026-01-28. Review status: criteria provided, single submitter. Criteria: Myriad Autosomal Dominant, Autosomal Recessive and X-Linked Classification Criteria (2023). Collection method: clinical testing. Allele origin: unknown.
Comment: NM_000053.3(ATP7B):c.3221C>T(A1074V) is a missense variant classified as likely pathogenic in the context of Wilson disease. A1074V has been observed in cases with relevant disease (PMID: 36096368, 34470610, 27022412, 34707284). Relevant functional assessments of this variant are not available in the literature. Internal structural analysis of the variant is supportive of pathogenicity. A1074V has been observed in referenced population frequency databases. In summary, NM_000053.3(ATP7B):c.3221C>T(A1074V) is a missense variant that has internal structural support for pathogenicity and has been observed more frequently in cases with the relevant disease than in healthy populations. Please note: this variant was assessed in the context of healthy population screening.

Natera, Inc.
Classification: Likely pathogenic for Wilson disease. Last evaluated: 2025-12-26. Review status: criteria provided, single submitter. Criteria: Natera Variant Classification Schema (03/2026). Collection method: clinical testing. Allele origin: germline.
Comment: The c.3221C>T variant in ATP7B is a missense variant predicted to cause substitution of alanine to valine at amino acid 1074. This variant is rare in the general population with a frequency below the threshold expected for the associated phenotype(s). This variant has been observed in one or more individuals affected with the associated recessive disease, as either homozygous or compound heterozygous with a second variant (PMID: 30232804). A different variant at the same position has been determined to be Pathogenic or Likely Pathogenic. Computational prediction algorithms indicate this variant is likely to affect gene or protein function. Given the available evidence, this variant is classified as Likely Pathogenic.

All of Us Research Program, National Institutes of Health
Classification: Uncertain significance for Wilson disease. Last evaluated: 2024-04-16. Review status: criteria provided, single submitter. Criteria: ACMG Guidelines, 2015. Collection method: clinical testing. Allele origin: germline. Inheritance: Autosomal recessive inheritance. Observed: 5 variant alleles, 5 heterozygotes.
Comment: This missense variant replaces alanine with valine at codon 1074 of the ATP7B protein. Computational prediction suggests that this variant may have deleterious impact on protein structure and function (internally defined REVEL score threshold >= 0.7, PMID: 27666373). To our knowledge, functional studies have not been reported for this variant. This variant has been reported in individuals affected with Wilson disease (PMID: 27022412, 23518715). This variant has been identified in 2/280730 chromosomes in the general population by the Genome Aggregation Database (gnomAD). The available evidence is insufficient to determine the role of this variant in disease conclusively. Therefore, this variant is classified as a Variant of Uncertain Significance.

This study involves interpretation of variants in research participants for the purpose of population health screening. Participant phenotype was not available at the time of variant classification. Additional details can be found in publication PMID: 35346344, PMCID: PMC8962531

Mayo Clinic Laboratories, Mayo Clinic
Classification: Likely pathogenic. Last evaluated: 2023-03-28. Review status: criteria provided, single submitter. Criteria: ACMG Guidelines, 2015. Collection method: clinical testing. Allele origin: germline. Observed: 1 variant allele.
Comment: PP3, PP4, PM2, PM3

Color Diagnostics, LLC DBA Color Health
Classification: Uncertain significance for Wilson disease. Last evaluated: 2022-07-08. Review status: criteria provided, single submitter. Criteria: ACMG Guidelines, 2015. Collection method: clinical testing. Allele origin: germline.
Comment: This missense variant replaces alanine with valine at codon 1074 of the ATP7B protein. Computational prediction suggests that this variant may have deleterious impact on protein structure and function. To our knowledge, functional studies have not been reported for this variant. This variant has been reported in individuals affected with Wilson disease (PMID: 27022412, 23518715). This variant has been identified in 2/280730 chromosomes in the general population by the Genome Aggregation Database (gnomAD). The available evidence is insufficient to determine the role of this variant in disease conclusively. Therefore, this variant is classified as a Variant of Uncertain Significance.

Fulgent Genetics
Classification: Uncertain significance for Wilson disease. Last evaluated: 2022-05-13. Review status: criteria provided, single submitter. Criteria: ACMG Guidelines, 2015. Collection method: clinical testing. Allele origin: unknown.

Women's Health and Genetics/Laboratory Corporation of America, LabCorp
Classification: Uncertain significance. Last evaluated: 2016-07-19. Review status: criteria provided, single submitter. Criteria: LabCorp Variant Classification Summary - May 2015. Collection method: clinical testing. Allele origin: germline.
Comment: Variant summary: The ATP7B c.3221C>T (p.Ala1074Val) variant involves the alteration of a conserved nucleotide. 5/5 in silico tools predict a damaging outcome for this variant. Ala1074 is highly conserved across species and is located in the P-type ATPase, cytoplasmic domain N of the Copper-transporting ATPase 2 protein. This variant was found in 1/130990 control chromosomes at a frequency of 0.0000076, which does not exceed the estimated maximal expected allele frequency of a pathogenic ATP7B variant (0.0054006). The variant was identified in heterozygous state in one WD patient reported in the literature, but a variant in trans was not identified and co-segregation studies were not done, thus it is unclear if this variant is causal. Because of limited clinical information and the lack of functional studies, the variant was classified as a variant of uncertain significance (VUS) until additional information becomes available.

Literature cited by the submitters: PubMed 27022412 (cited by 5 submitters); PubMed 34470610 (cited by Myriad Genetics, Inc. and Mayo Clinic Laboratories, Mayo Clinic); PubMed 34707284 (cited by Myriad Genetics, Inc.); PubMed 36096368 (cited by Myriad Genetics, Inc. and Mayo Clinic Laboratories, Mayo Clinic); PubMed 30232804 (cited by Natera, Inc.); PubMed 23518715 (cited by 4 submitters).